The following is an entry in ClinVar:

ClinVar aggregate classification (germline): Uncertain significance. Review status: criteria provided, multiple submitters, no conflicts (2 of 4 stars). 2 submissions from 2 submitters: Uncertain significance (2). Last evaluated 2022-11-01.

Allele frequency attached by ClinVar (database versions not stated): gnomAD 0.00001; gnomAD exomes 0.00001 and 0.00003; TOPMed 0.00002; ExAC 0.00006.
gnomAD v4.1: 20 of 1,603,310 alleles (0.0012%); highest among the groups gnomAD compares: South Asian, 0.0034%; no homozygotes.

Submissions (2):

Labcorp Genetics (formerly Invitae), Labcorp
Classification: Uncertain significance. Last evaluated: 2022-11-01. Review status: criteria provided, single submitter. Criteria: Invitae Variant Classification Sherloc (09022015). Collection method: clinical testing. Allele origin: germline.
Comment: In summary, the available evidence is currently insufficient to determine the role of this variant in disease. Therefore, it has been classified as a Variant of Uncertain Significance. Algorithms developed to predict the effect of sequence changes on RNA splicing suggest that this variant may disrupt the consensus splice site. ClinVar contains an entry for this variant (Variation ID: 1517699). This variant has not been reported in the literature in individuals affected with WDR62-related conditions. This variant is present in population databases (rs751638362, gnomAD 0.007%). This sequence change affects codon 510 of the WDR62 mRNA. It is a 'silent' change, meaning that it does not change the encoded amino acid sequence of the WDR62 protein.

GeneDx
Classification: Uncertain significance. Last evaluated: 2022-02-08. Review status: criteria provided, single submitter. Criteria: GeneDx Variant Classification Process June 2021. Collection method: clinical testing. Allele origin: germline. Affected: yes.
Comment: Not observed at significant frequency in large population cohorts (gnomAD); Has not been previously published as pathogenic or benign to our knowledge; In-silico analysis is inconclusive as to whether the variant alters gene splicing. In the absence of RNA/functional studies, the actual effect of this sequence change is unknown.

NM_001083961.2(WDR62):c.1530C>T (p.Gly510=)

Gene: WDR62 (WD repeat domain 62; plus strand). Cytogenetic location: 19q13.12.
Variant type: single nucleotide variant.
Coding change: c.1530C>T on transcript NM_001083961.2 (MANE Select); coding-DNA position 1530, C replaced by T.
Protein change: p.Gly510=; no amino-acid change (glycine 510 retained).
Molecular consequence: synonymous variant.
Genome position (GRCh38, 1-based): chr19:36,083,221, C>T. VCF-style: chr19-36083221-C-T. GRCh37 (hg19) VCF-style: chr19-36574123-C-T.
Other names: c.1530C>T, p.Gly510= (NM_173636.5).
Identifiers: ClinVar variation 1517699 (VCV001517699.9), dbSNP rs751638362, ClinGen allele CA9395623.